The following is an entry in ClinVar:

NM_012448.4(STAT5B):c.1924A>C (p.Asn642His)

Gene: STAT5B (signal transducer and activator of transcription 5B; minus strand). Cytogenetic location: 17q21.2.
Variant type: single nucleotide variant.
Coding change: c.1924A>C on transcript NM_012448.4 (MANE Select); coding-DNA position 1924, A replaced by C.
Protein change: p.Asn642His; replaces asparagine 642 with histidine.
Molecular consequence: missense variant.
Genome position (GRCh38, 1-based): chr17:42,207,711, T>G on the plus strand (A>C on the coding strand, the complement: STAT5B is on the minus strand). VCF-style: chr17-42207711-T-G. GRCh37 (hg19) VCF-style: chr17-40359729-T-G.
Other names: short protein forms N642H.
Identifiers: ClinVar variation 657518 (VCV000657518.53), dbSNP rs938448224, ClinGen allele CA290735986.

ClinVar aggregate classification (germline): Conflicting classifications of pathogenicity. Review status: criteria provided, conflicting classifications (1 of 4 stars). 6 submissions from 6 submitters: Pathogenic (4); Uncertain significance (2). Last evaluated 2026-07-29.
ClinVar aggregate classification (oncogenicity): Oncogenic (1 of 4 stars; one submission).

Conditions:
STAT5B-associated immune disease.
Growth hormone insensitivity with immune dysregulation 1, autosomal recessive. Also called: LARON SYNDROME DUE TO POSTRECEPTOR DEFECT; Laron syndrome with immunodeficiency; GROWTH HORMONE INSENSITIVITY SYNDROME WITH IMMUNE DYSREGULATION 1, AUTOSOMAL RECESSIVE; GROWTH HORMONE INSENSITIVITY DUE TO POSTRECEPTOR DEFECT. Identifiers: Orphanet 220465, MedGen C5435698, MONDO:0100211, OMIM 245590.
STAT5B-related disorder. Also called: STAT5B-related condition.
Neoplasm. Also called: Neoplasms; Neoplasm (disease); tumor. Identifiers: MedGen C0027651, MeSH D009369, MONDO:0005070, HP:0002664.

Allele frequency attached by ClinVar (database versions not stated): gnomAD 0.00001 and below 0.00001; gnomAD exomes below 0.00001.
gnomAD v4.1: 4 of 1,613,972 alleles (0.00025%); highest among the groups gnomAD compares: Admixed American, 0.0017%; no homozygotes.

Submissions (7):

Institute of Human Genetics, University of Leipzig Medical Center
Classification: Pathogenic for STAT5B-associated immune disease. Last evaluated: 2026-07-29. Review status: criteria provided, single submitter. Criteria: ACMG Guidelines, 2015. Collection method: clinical testing. Allele origin: unknown. Inheritance: Autosomal dominant inheritance. Affected: yes.
Comment: Criteria applied: PS2,PS4_MOD,PS3_SUP,PM2_SUP,PP2,PP3

Labcorp Genetics (formerly Invitae), Labcorp
Classification: Uncertain significance for Growth hormone insensitivity with immune dysregulation 1, autosomal recessive. Last evaluated: 2025-08-20. Review status: criteria provided, single submitter. Criteria: Invitae Variant Classification Sherloc (09022015). Collection method: clinical testing. Allele origin: germline.
Comment: This sequence change replaces asparagine, which is neutral and polar, with histidine, which is basic and polar, at codon 642 of the STAT5B protein (p.Asn642His). This variant is present in population databases (no rsID available, gnomAD 0.003%). This variant has not been reported in the literature in individuals affected with STAT5B-related conditions. ClinVar contains an entry for this variant (Variation ID: 657518). Invitae Evidence Modeling of protein sequence and biophysical properties (such as structural, functional, and spatial information, amino acid conservation, physicochemical variation, residue mobility, and thermodynamic stability) indicates that this missense variant is not expected to disrupt STAT5B protein function with a negative predictive value of 80%. Experimental studies have shown that this missense change affects STAT5B function (PMID: 24825865, 24972766, 25586472, 27600764, 29200404). In summary, the available evidence is currently insufficient to determine the role of this variant in disease. Therefore, it has been classified as a Variant of Uncertain Significance.

Center for Genomic Medicine, Rigshospitalet, Copenhagen University Hospital
Classification: Oncogenic for Neoplasm. Last evaluated: 2025-03-04. Review status: criteria provided, single submitter. Criteria: ClinGen/CGC/VICC Guidelines for Oncogenicity, 2022. Collection method: clinical testing. Allele origin: somatic. Affected: yes.

GeneDx
Classification: Uncertain significance. Last evaluated: 2023-10-29. Review status: criteria provided, single submitter. Criteria: GeneDx Variant Classification Process June 2021. Collection method: clinical testing. Allele origin: germline. Affected: yes.
Comment: Reported to be the most common somatic variant in STAT5B, and seen in multiple individuals with idiopathic hypereosinophilic syndrome or myeloid neoplasms with eosinophilia (PMID: 33542831, 33122102); Reported de novo in a proband with autoimmune manifestations, recurrent infections, and hypogammaglobulinemia, but this proband also harbored a potentially causative variant in the GATA2 gene (PMID: 34670919); Not observed at significant frequency in large population cohorts (gnomAD); In silico analysis supports that this missense variant has a deleterious effect on protein structure/function; This variant is associated with the following publications: (PMID: 25586472, 27600764, 24825865, 31717342, 29200404, 35496359, 30573779, 31976485, 31175292, 24972766, 33122102, 27956386, 33542831, 36567979, 34670919)

Baylor Genetics
Classification: Pathogenic for Growth hormone insensitivity with immune dysregulation 1, autosomal recessive. Last evaluated: 2019-12-10. Review status: criteria provided, single submitter. Criteria: ACMG Guidelines, 2015. Collection method: clinical testing. Allele origin: de novo. Affected: yes.
Comment: This variant was determined to be pathogenic according to ACMG Guidelines, 2015 [PMID:25741868].

CeGaT Center for Human Genetics Tuebingen
Classification: Pathogenic. Last evaluated: 2019-11-01. Review status: criteria provided, single submitter. Criteria: CeGaT Center For Human Genetics Tuebingen Variant Classification Criteria Version 2. Collection method: clinical testing. Allele origin: germline. Affected: yes. Observed: 2 variant alleles.

Blueprint Genetics
Classification: Pathogenic for STAT5B-related disorders. Last evaluated: 2017-12-28. Review status: criteria provided, single submitter. Criteria: ACMG Guidelines, 2015. Collection method: clinical testing. Allele origin: germline. Affected: yes. Observed: 2 variant alleles.

Literature cited by the submitters: PubMed 41453450 (cited by Institute of Human Genetics, University of Leipzig Medical Center); PubMed 24825865 (cited by Labcorp Genetics (formerly Invitae), Labcorp and Center for Genomic Medicine, Rigshospitalet, Copenhagen University Hospital); PubMed 24972766 (cited by Labcorp Genetics (formerly Invitae), Labcorp); PubMed 25586472 (cited by Labcorp Genetics (formerly Invitae), Labcorp); PubMed 27600764 (cited by Labcorp Genetics (formerly Invitae), Labcorp); PubMed 29200404 (cited by Labcorp Genetics (formerly Invitae), Labcorp); PubMed 24573384 (cited by Center for Genomic Medicine, Rigshospitalet, Copenhagen University Hospital); PubMed 31175292 (cited by Center for Genomic Medicine, Rigshospitalet, Copenhagen University Hospital).